The following is an entry in ClinVar:

ClinVar aggregate classification (germline): Benign (0 of 4 stars; one submission).

Conditions:
FSIP2-related disorder. Also called: FSIP2-related condition.

Allele frequency attached by ClinVar (database versions not stated): TOPMed 0.53199; 1000 Genomes Project 30x 0.53810; 1000 Genomes Project 0.53934; ESP Exome Variant Server 0.54232; gnomAD exomes 0.54261; gnomAD 0.54462; ExAC 0.54917.
gnomAD v4.1: 871,321 of 1,605,508 alleles (54%); highest among the groups gnomAD compares: South Asian, 64%; 238,226 homozygotes.

Submission:

PreventionGenetics, part of Exact Sciences
Classification: Benign for FSIP2-related condition. Last evaluated: 2019-10-17. Review status: no assertion criteria provided. Collection method: clinical testing. Allele origin: germline.
Comment: This variant is classified as benign based on ACMG/AMP sequence variant interpretation guidelines (Richards et al. 2015 PMID: 25741868, with internal and published modifications).

NM_173651.4(FSIP2):c.17324G>A (p.Arg5775Gln)

Gene: FSIP2 (fibrous sheath interacting protein 2; plus strand). Cytogenetic location: 2q32.1.
Variant type: single nucleotide variant.
Coding change: c.17324G>A on transcript NM_173651.4 (MANE Select); coding-DNA position 17324, G replaced by A.
Protein change: p.Arg5775Gln; replaces arginine 5775 with glutamine.
Molecular consequence: missense variant.
Genome position (GRCh38, 1-based): chr2:185,806,630, G>A. VCF-style: chr2-185806630-G-A. GRCh37 (hg19) VCF-style: chr2-186671357-G-A.
Other names: short protein forms R5775Q.
Identifiers: ClinVar variation 3060544 (VCV003060544.2), dbSNP rs17826534, ClinGen allele CA2017391.